The following is an entry in ClinVar:

ClinVar aggregate classification (germline): Pathogenic/Likely pathogenic. Review status: criteria provided, multiple submitters, no conflicts (2 of 4 stars). 2 submissions from 2 submitters: Pathogenic (1); Likely pathogenic (1). Last evaluated 2024-11-27.

Conditions:
Citrullinemia type I (CTNL1). Also called: ASS DEFICIENCY; argininosuccinate synthetase deficiency. Identifiers: Orphanet 247525, MedGen C4721769, MONDO:0008988, OMIM 215700.
Citrullinemia. Identifiers: Orphanet 187, MedGen C0175683, MONDO:0015991.

Allele frequency attached by ClinVar (database versions not stated): TOPMed below 0.00001; gnomAD 0.00001.
gnomAD v4.1: 1 of 1,611,844 alleles (0.000062%); highest among the groups gnomAD compares: Non-Finnish European, 0.000085%; no homozygotes.

Submissions (2):

Natera, Inc.
Classification: Likely pathogenic for Citrullinemia type I. Last evaluated: 2024-11-27. Review status: criteria provided, single submitter. Criteria: Natera Variant Classification Schema (03/2026). Collection method: clinical testing. Allele origin: germline.
Comment: The c.1117G>T variant in ASS1 is a nonsense variant predicted to introduce a stop codon at amino acid 373. This variant is expected to result in nonsense mediated decay, truncation, or a dysfunctional protein product. This variant is rare in the general population with a frequency below the threshold expected for the associated phenotype(s). Given the available evidence, this variant is classified as Likely Pathogenic.

Labcorp Genetics (formerly Invitae), Labcorp
Classification: Pathogenic for Citrullinemia. Last evaluated: 2021-10-28. Review status: criteria provided, single submitter. Criteria: Invitae Variant Classification Sherloc (09022015). Collection method: clinical testing. Allele origin: germline.
Comment: For these reasons, this variant has been classified as Pathogenic. This premature translational stop signal has been observed in individual(s) with citrullinemia (PMID: 31980526). This variant is not present in population databases (gnomAD no frequency). This sequence change creates a premature translational stop signal (p.Glu373*) in the ASS1 gene. It is expected to result in an absent or disrupted protein product. Loss-of-function variants in ASS1 are known to be pathogenic (PMID: 18473344, 19006241).

Literature cited by the submitters: PubMed 31980526 (cited by Labcorp Genetics (formerly Invitae), Labcorp); PubMed 18473344 (cited by Labcorp Genetics (formerly Invitae), Labcorp); PubMed 19006241 (cited by Labcorp Genetics (formerly Invitae), Labcorp).

NM_054012.4(ASS1):c.1117G>T (p.Glu373Ter)

Gene: ASS1 (argininosuccinate synthase 1; plus strand). Cytogenetic location: 9q34.11.
Variant type: single nucleotide variant.
Coding change: c.1117G>T on transcript NM_054012.4 (MANE Select); coding-DNA position 1117, G replaced by T.
Protein change: p.Glu373Ter; replaces glutamic acid 373 with a stop codon.
Molecular consequence: nonsense.
Genome position (GRCh38, 1-based): chr9:130,495,013, G>T. VCF-style: chr9-130495013-G-T. GRCh37 (hg19) VCF-style: chr9-133370400-G-T.
Other names: c.1117G>T, p.Glu373Ter (NM_000050.4); short protein forms E373*.
Identifiers: ClinVar variation 1424757 (VCV001424757.7), dbSNP rs1453708640, ClinGen allele CA375232320.